The following is an entry in ClinVar:

NM_003159.3(CDKL5):c.3031G>A (p.Ala1011Thr)

Genes: CDKL5 (cyclin dependent kinase like 5; plus strand), RS1 (retinoschisin 1; minus strand). Cytogenetic location: Xp22.13.
Variant type: single nucleotide variant.
Coding change: c.3031G>A on transcript NM_003159.3; coding-DNA position 3031, G replaced by A.
Protein change: p.Ala1011Thr; replaces alanine 1011 with threonine.
Molecular consequence: missense variant. On other transcripts: intron variant (1).
Genome position (GRCh38, 1-based): chrX:18,653,482, G>A. VCF-style: chrX-18653482-G-A. GRCh37 (hg19) VCF-style: chrX-18671602-G-A.
Other names: c.3031G>A, p.Ala1011Thr (NM_001037343.2); c.184+3171C>T (NM_000330.4); short protein forms A1011T.
Identifiers: ClinVar variation 166822 (VCV000166822.18), dbSNP rs727503848, ClinGen allele CA233659.
Genomic context (GRCh38, chrX:18,653,482, plus strand): 5'-TGCTTTCCAGGGTTCTCTTTCTTCGTGAGACACGTTATGAGGGAAGCCCTGATTCACAGG[G>A]CCCAGGTAAACCAAGCTGCGCTCCTGACATACCATGAGAATGCGGCACTGACGGGCAAGT-3'

ClinVar aggregate classification (germline): Likely benign. Review status: reviewed by expert panel (3 of 4 stars). 4 submissions from 4 submitters: Likely benign (1). 3 of the submissions do not count toward it. Last evaluated 2023-04-14.

Conditions:
CDKL5 disorder. Identifiers: MedGen CN296942, MONDO:0100039.
Developmental and epileptic encephalopathy, 2 (DEE2). Also called: CDKL5 deficiency disorder; INFANTILE SPASM SYNDROME, X-LINKED 2. Identifiers: Orphanet 1934, Orphanet 3451, Orphanet 505652, MedGen C4750718, MONDO:0010396, OMIM 300672.
Angelman syndrome-like. Identifiers: MedGen CN128785.

Allele frequency attached by ClinVar (database versions not stated): gnomAD 0.00002; gnomAD exomes 0.00001 and below 0.00001; ExAC 0.00001; TOPMed 0.00005; 1000 Genomes Project 30x 0.00021; 1000 Genomes Project 0.00026.
gnomAD v4.1: 7 of 1,209,883 alleles (0.00058%); highest among the groups gnomAD compares: African/African-American, 0.012%; no homozygotes.

Submissions (4):

ClinGen Rett and Angelman-like Disorders Variant Curation Expert Panel
Classification: Likely benign for CDKL5 disorder. Last evaluated: 2023-04-14. Review status: reviewed by expert panel. Criteria: ClinGen RettAS ACMG Specifications V2. Collection method: curation. Allele origin: germline. Inheritance: X-linked inheritance.
Comment: RS1 (NM_000330.4) and an alternative transcript of CDKL5 (NM_003159.2) are overlapping transcripts; however, these variants are in the non-coding 3' region of the main CDKL5 transcript (NM_ 001323289.2). The c.3031 G>A (p.Ala1011Thr) variant in CDKL5 transcript (NM_003159.2) (RS1 c.184+3171C>T) is observed in at least 2 unaffected individuals (GeneDx internal database)(BS2). Computational analysis prediction tools suggest that the c.3031 G>A variant does not have a deleterious impact; however this information does not predict clinical significance on its own (BP4). In summary, the c.3031 G>A variant in the alternate CDKL5 transcript (NM_003159.2) is classified as likely benign based on the ACMG/AMP criteria (BS2, BP4).

Labcorp Genetics (formerly Invitae), Labcorp
Classification: Likely benign for Developmental and epileptic encephalopathy, 2; Angelman syndrome-like. Last evaluated: 2024-05-23. Review status: criteria provided, single submitter. Criteria: Invitae Variant Classification Sherloc (09022015). Collection method: clinical testing. Allele origin: germline. Not counted in ClinVar's aggregate classification.

Greenwood Genetic Center Diagnostic Laboratories, Greenwood Genetic Center
Classification: Uncertain significance. Last evaluated: 2023-06-29. Review status: criteria provided, single submitter. Criteria: ACMG Guidelines, 2015. Collection method: clinical testing. Allele origin: germline. Affected: yes. Not counted in ClinVar's aggregate classification.
Comment: PM2

Eurofins Ntd Llc (ga)
Classification: Uncertain significance. Last evaluated: 2013-12-17. Review status: criteria provided, single submitter. Criteria: EGL Classification Definitions 2015. Collection method: clinical testing. Allele origin: germline. Observed: 1 variant allele, 1 heterozygote. Not counted in ClinVar's aggregate classification.